The following is an entry in ClinVar:

NM_001242896.3(DEPDC5):c.2894A>G (p.His965Arg)

Gene: DEPDC5 (DEP domain containing 5, GATOR1 subcomplex subunit; plus strand). Cytogenetic location: 22q12.3.
Variant type: single nucleotide variant.
Coding change: c.2894A>G on transcript NM_001242896.3 (MANE Select); coding-DNA position 2894, A replaced by G.
Protein change: p.His965Arg; replaces histidine 965 with arginine.
Molecular consequence: missense variant. On other transcripts: non-coding transcript variant (5).
Genome position (GRCh38, 1-based): chr22:31,845,110, A>G. VCF-style: chr22-31845110-A-G. GRCh37 (hg19) VCF-style: chr22-32241096-A-G.
Other names: c.2867A>G, p.His956Arg (NM_001136029.4, NM_001369903.1, NM_014662.6); c.2660A>G, p.His887Arg (NM_001242897.2, NM_001363854.2, NM_001364319.2); c.2894A>G, p.His965Arg (NM_001363852.2, NM_001364318.2, NM_001364320.2); c.2810A>G, p.His937Arg (NM_001369901.1, NM_001369902.1); short protein forms H937R, H956R, H965R, H887R.
Identifiers: ClinVar variation 1476868 (VCV001476868.8), dbSNP rs2091648587, ClinGen allele CA411291161.
Genomic context (GRCh38, chr22:31,845,110, plus strand): 5'-GCTTCCTGCTGCTGCCAGCCTGTGTCACCGCCACCAAGCGCATCACGGAGGGGGAGGCCC[A>G]CTGCGACATCTATGGGGACAGGCCCCGTGCAGACGAGGACGAGTGGCAACTCCTGGATGG-3'
Protein context (NP_001229825.1, residues 955-975): ATKRITEGEA[His965Arg]CDIYGDRPRA

ClinVar aggregate classification (germline): Uncertain significance (1 of 4 stars; one submission).

Conditions:
Familial focal epilepsy with variable foci (FPEVF). Identifiers: Orphanet 98820, MedGen C1858477, MONDO:0020310.

Allele frequency attached by ClinVar (database versions not stated): gnomAD exomes below 0.00001; TOPMed below 0.00001; gnomAD 0.00001.
gnomAD v4.1: 2 of 1,614,056 alleles (0.00012%); highest among the groups gnomAD compares: African/African-American, 0.0013%; no homozygotes.

Submission:

Labcorp Genetics (formerly Invitae), Labcorp
Classification: Uncertain significance for Familial focal epilepsy with variable foci. Last evaluated: 2021-04-11. Review status: criteria provided, single submitter. Criteria: Invitae Variant Classification Sherloc (09022015). Collection method: clinical testing. Allele origin: germline.
Comment: In summary, the available evidence is currently insufficient to determine the role of this variant in disease. Therefore, it has been classified as a Variant of Uncertain Significance. Algorithms developed to predict the effect of missense changes on protein structure and function are either unavailable or do not agree on the potential impact of this missense change (SIFT: "Tolerated"; PolyPhen-2: "Not Available"; Align-GVGD: "Class C0"). This variant has not been reported in the literature in individuals with DEPDC5-related conditions. This variant is not present in population databases (ExAC no frequency). This sequence change replaces histidine with arginine at codon 965 of the DEPDC5 protein (p.His965Arg). The histidine residue is highly conserved and there is a small physicochemical difference between histidine and arginine.